The following is an entry in ClinVar:

ClinVar aggregate classification (germline): Uncertain significance. Review status: criteria provided, multiple submitters, no conflicts (2 of 4 stars). 2 submissions from 2 submitters: Uncertain significance (2). Last evaluated 2025-12-08.

Conditions:
Fanconi anemia complementation group P. Also called: SLX4-Related Fanconi Anemia. Identifiers: Orphanet 84, MedGen C3469542, MONDO:0013499, OMIM 613951.
Inborn genetic diseases. Identifiers: MedGen C0950123, MeSH D030342.

Allele frequency attached by ClinVar (database versions not stated): TOPMed below 0.00001.

Submissions (2):

Ambry Genetics
Classification: Uncertain significance for Inborn genetic diseases. Last evaluated: 2025-12-08. Review status: criteria provided, single submitter. Criteria: Ambry Variant Classification Scheme 2023. Collection method: clinical testing. Allele origin: germline.

Baylor Genetics
Classification: Uncertain significance for Fanconi anemia complementation group P. Last evaluated: 2020-08-30. Review status: criteria provided, single submitter. Criteria: ACMG Guidelines, 2015. Collection method: clinical testing. Allele origin: unknown. Affected: yes. Study: CSER-TexasKidsCanSeq.
Comment: This variant was determined to be of uncertain significance according to ACMG Guidelines, 2015 [PMID:25741868].

NM_032444.4(SLX4):c.1331A>C (p.Glu444Ala)

Gene: SLX4 (SLX4 structure-specific endonuclease subunit; minus strand). Cytogenetic location: 16p13.3.
Variant type: single nucleotide variant.
Coding change: c.1331A>C on transcript NM_032444.4 (MANE Select); coding-DNA position 1331, A replaced by C.
Protein change: p.Glu444Ala; replaces glutamic acid 444 with alanine.
Molecular consequence: missense variant.
Genome position (GRCh38, 1-based): chr16:3,597,832, T>G on the plus strand (A>C on the coding strand, the complement: SLX4 is on the minus strand). VCF-style: chr16-3597832-T-G. GRCh37 (hg19) VCF-style: chr16-3647833-T-G.
Other names: c.1331A>C (NM_032444.2); short protein forms E444A.
Identifiers: ClinVar variation 997600 (VCV000997600.3), dbSNP rs2040681362, ClinGen allele CA394529333.